The following is an entry in ClinVar:

ClinVar aggregate classification (germline): Uncertain significance (1 of 4 stars; one submission).

Conditions:
Neurodevelopmental disorder with movement abnormalities, abnormal gait, and autistic features. Identifiers: MedGen C4693405, MONDO:0060642, OMIM 617865.

gnomAD v4.1: 1 of 1,551,536 alleles (0.000064%); highest among the groups gnomAD compares: African/African-American, 0.0014%; no homozygotes.

Submission:

New York Genome Center
Classification: Uncertain significance for Neurodevelopmental disorder with movement abnormalities, abnormal gait, and autistic features. Last evaluated: 2021-09-17. Review status: criteria provided, single submitter. Criteria: NYGC Assertion Criteria 2020. Collection method: clinical testing. Allele origin: germline. Observed: 1 heterozygote. Study: CSER-NYCKidSeq.
Comment: The heterozygous c.2005T>C (p. Ser669Pro) missense variant identified in ZSWIM6 gene has not been reported in affected individuals the literature.The c.2005T>C variant is absent from gnomAD(v3) database suggesting it is not a common benign variant in the populations represented in that database. This variant replaces a moderately conserved serine residue [Ser669]. In silico tools provide conflicting predictions about potential pathogenicity of this variant (CADD score = 21.3, REVEL score = 0.101). Based on the available evidence, the heterozygous c.2005T>C (p. Ser669Pro) missense variant identified in the ZSWIM6 gene is reported as a Variant of Uncertain Significance.

NM_020928.2(ZSWIM6):c.2005T>C (p.Ser669Pro)

Gene: ZSWIM6 (zinc finger SWIM-type containing 6; plus strand). Cytogenetic location: 5q12.1.
Variant type: single nucleotide variant.
Coding change: c.2005T>C on transcript NM_020928.2 (MANE Select); coding-DNA position 2005, T replaced by C.
Protein change: p.Ser669Pro; replaces serine 669 with proline.
Molecular consequence: missense variant.
Genome position (GRCh38, 1-based): chr5:61,531,485, T>C. VCF-style: chr5-61531485-T-C. GRCh37 (hg19) VCF-style: chr5-60827312-T-C.
Other names: short protein forms S669P.
Identifiers: ClinVar variation 1696703 (VCV001696703.1), dbSNP rs1404576753, ClinGen allele CA359944376.
Genomic context (GRCh38, chr5:61,531,485, plus strand): 5'-GTAGTTTCTGAGCTCTGATTTCTTTTGTGGCATTTTGCAGAGAATATGGGACAGTGCAAG[T>C]CTCTGGAATACCAGCATCTACCTGCACACAAATTCTTAGAAGAAGGGGAATCCTATTTAA-3'
Protein context (NP_065979.1, residues 659-679): DFTENMGQCK[Ser669Pro]LEYQHLPAHK